The following is an entry in ClinVar:

ClinVar aggregate classification (germline): Pathogenic (1 of 4 stars; one submission).

Conditions:
Joubert syndrome. Also called: Familial aplasia of the vermis; CEREBELLOPARENCHYMAL DISORDER IV; JOUBERT-BOLTSHAUSER SYNDROME. Identifiers: Orphanet 475, MedGen C5979921, MONDO:0018772.
Meckel-Gruber syndrome. Also called: Dysencephalia splachnocystica; DYSENCEPHALIA SPLANCHNOCYSTICA; GRUBER SYNDROME. Identifiers: Orphanet 564, MedGen C0265215, MONDO:0018921.

Submission:

Labcorp Genetics (formerly Invitae), Labcorp
Classification: Pathogenic for Joubert syndrome; Meckel-Gruber syndrome. Last evaluated: 2020-04-15. Review status: criteria provided, single submitter. Criteria: Invitae Variant Classification Sherloc (09022015). Collection method: clinical testing. Allele origin: germline.
Comment: This variant is an out-of-frame deletion of the genomic region encompassing exon(s) 5-6 of the RPGRIP1L gene. This is expected to create a premature translational stop signal and result in an absent or disrupted protein product. This variant has not been reported in the literature in individuals with RPGRIP1L-related conditions. Loss-of-function variants in RPGRIP1L are known to be pathogenic (PMID: 17558409). For these reasons, this variant has been classified as Pathogenic.

Literature cited by the submitters: PubMed 17558409.

NC_000016.9:g.(?_53720335)_(53721887_?)del

Gene: RPGRIP1L (RPGRIP1 like; minus strand). Cytogenetic location: 16q12.2.
Variant type: Deletion.
Identifiers: ClinVar variation 1076238 (VCV001076238.1).